The following is an entry in ClinVar:

ClinVar aggregate classification (germline): Conflicting classifications of pathogenicity. Review status: criteria provided, conflicting classifications (1 of 4 stars). 4 submissions from 4 submitters: Uncertain significance (1); Likely benign (2). 1 of the submissions does not count toward it. Last evaluated 2025-12-23.

Conditions:
CARS2-related disorder. Also called: CARS2-related condition.
Combined oxidative phosphorylation defect type 27. Also called: Combined oxidative phosphorylation deficiency 27. Identifiers: Orphanet 477774, MedGen C5567608, MONDO:0014728, OMIM 616672.

Allele frequency attached by ClinVar (database versions not stated): gnomAD 0.00014 and 0.00017; gnomAD exomes 0.00014 and 0.00017; TOPMed 0.00015; ExAC 0.00022; ESP Exome Variant Server 0.00031.

Submissions (4):

Labcorp Genetics (formerly Invitae), Labcorp
Classification: Likely benign for Combined oxidative phosphorylation defect type 27. Last evaluated: 2025-12-23. Review status: criteria provided, single submitter. Criteria: Invitae Variant Classification Sherloc (09022015). Collection method: clinical testing. Allele origin: germline.

GeneDx
Classification: Uncertain significance. Last evaluated: 2023-12-14. Review status: criteria provided, single submitter. Criteria: GeneDx Variant Classification Process June 2021. Collection method: clinical testing. Allele origin: germline. Affected: yes.
Comment: In silico analysis supports that this variant does not alter splicing; Has not been previously published as pathogenic or benign to our knowledge

Blueprint Genetics
Classification: Likely benign. Last evaluated: 2023-02-17. Review status: criteria provided, single submitter. Criteria: ACMG Guidelines, 2015. Collection method: clinical testing. Allele origin: germline.

PreventionGenetics, part of Exact Sciences
Classification: Likely benign for CARS2-related condition. Last evaluated: 2019-04-03. Review status: no assertion criteria provided. Collection method: clinical testing. Allele origin: germline. Not counted in ClinVar's aggregate classification.
Comment: This variant is classified as likely benign based on ACMG/AMP sequence variant interpretation guidelines (Richards et al. 2015 PMID: 25741868, with internal and published modifications).

NM_024537.4(CARS2):c.1566G>A (p.Leu522=)

Gene: CARS2 (cysteinyl-tRNA synthetase 2, mitochondrial; minus strand). Cytogenetic location: 13q34.
Variant type: single nucleotide variant.
Coding change: c.1566G>A on transcript NM_024537.4 (MANE Select); coding-DNA position 1566, G replaced by A.
Protein change: p.Leu522=; no amino-acid change (leucine 522 retained).
Molecular consequence: synonymous variant. On other transcripts: non-coding transcript variant (2).
Genome position (GRCh38, 1-based): chr13:110,642,372, C>T on the plus strand (G>A on the coding strand, the complement: CARS2 is on the minus strand). VCF-style: chr13-110642372-C-T. GRCh37 (hg19) VCF-style: chr13-111294719-C-T.
Other names: c.780G>A, p.Leu260= (NM_001352252.2); c.1566G>A (NM_024537.3, NM_024537.2).
Identifiers: ClinVar variation 1081523 (VCV001081523.13), dbSNP rs377120724, ClinGen allele CA7051606.
Genomic context (GRCh38, chr13:110,642,372, plus strand): 5'-CACCTTGATGTTGATGCCGTGGGCAGTCAGGCCCCGGCGCAGGGTGTCGCATGCTTCCAG[C>T]AGGGGCTGCCTTTCTAGGAGCTGCTGCCGCCGGGCGTCCCCCGTGGCCTCGGGCATGGCC-3'
Protein context (NP_078813.1, residues 512-532): RRQQLLERQP[Leu522=]LEACDTLRRG